The following is an entry in ClinVar:

ClinVar aggregate classification (germline): Uncertain significance. Review status: criteria provided, multiple submitters, no conflicts (2 of 4 stars). 2 submissions from 2 submitters: Uncertain significance (2). Last evaluated 2025-05-22.

Conditions:
TECTA-related disorder. Also called: TECTA-related condition.

gnomAD v4.1: 18 of 1,614,256 alleles (0.0011%); highest among the groups gnomAD compares: Non-Finnish European, 0.0014%; no homozygotes.

Submissions (2):

PreventionGenetics, part of Exact Sciences
Classification: Uncertain significance for TECTA-related condition. Last evaluated: 2025-05-22. Review status: criteria provided, single submitter. Criteria: ACMG Guidelines, 2015. Collection method: clinical testing. Allele origin: germline.
Comment: The TECTA c.3902G>T variant is predicted to result in the amino acid substitution p.Cys1301Phe. To our knowledge, this variant has not been reported in the literature. This variant is reported in 0.00088% of alleles in individuals of European (Non-Finnish) descent in gnomAD. At this time, the clinical significance of this variant is uncertain due to the absence of conclusive functional and genetic evidence.

Labcorp Genetics (formerly Invitae), Labcorp
Classification: Uncertain significance. Last evaluated: 2024-05-25. Review status: criteria provided, single submitter. Criteria: Invitae Variant Classification Sherloc (09022015). Collection method: clinical testing. Allele origin: germline.
Comment: This sequence change replaces cysteine, which is neutral and slightly polar, with phenylalanine, which is neutral and non-polar, at codon 1301 of the TECTA protein (p.Cys1301Phe). This variant is present in population databases (no rsID available, gnomAD 0.0009%). This variant has not been reported in the literature in individuals affected with TECTA-related conditions. Advanced modeling of protein sequence and biophysical properties (such as structural, functional, and spatial information, amino acid conservation, physicochemical variation, residue mobility, and thermodynamic stability) has been performed at Invitae for this missense variant, however the output from this modeling did not meet the statistical confidence thresholds required to predict the impact of this variant on TECTA protein function. In summary, the available evidence is currently insufficient to determine the role of this variant in disease. Therefore, it has been classified as a Variant of Uncertain Significance.

NM_005422.4(TECTA):c.3902G>T (p.Cys1301Phe)

Genes: TBCEL-TECTA (TBCEL-TECTA readthrough; plus strand), TECTA (tectorin alpha; plus strand). Cytogenetic location: 11q23.3.
Variant type: single nucleotide variant.
Coding change: c.3902G>T on transcript NM_005422.4 (MANE Select); coding-DNA position 3902, G replaced by T.
Protein change: p.Cys1301Phe; replaces cysteine 1301 with phenylalanine.
Molecular consequence: missense variant.
Genome position (GRCh38, 1-based): chr11:121,145,913, G>T. VCF-style: chr11-121145913-G-T. GRCh37 (hg19) VCF-style: chr11-121016622-G-T.
Other names: c.4859G>T, p.Cys1620Phe (NM_001378761.1); c.3902G>T (NM_005422.2); short protein forms C1301F, C1620F.
Identifiers: ClinVar variation 3624500 (VCV003624500.3).